The following is an entry in ClinVar:

ClinVar aggregate classification (germline): Pathogenic (1 of 4 stars; one submission).

Conditions:
Hereditary cancer-predisposing syndrome. Also called: Tumor predisposition; Hereditary Cancer Syndrome; Hereditary neoplastic syndrome; Neoplastic Syndromes, Hereditary. Identifiers: Orphanet 140162, MedGen C0027672, MeSH D009386, MONDO:0015356.

Submission:

Ambry Genetics
Classification: Pathogenic for Hereditary cancer-predisposing syndrome. Last evaluated: 2024-05-24. Review status: criteria provided, single submitter. Criteria: Ambry Variant Classification Scheme 2023. Collection method: clinical testing. Allele origin: germline.
Comment: The c.859dupA pathogenic mutation, located in coding exon 6 of the FH gene, results from a duplication of A at nucleotide position 859, causing a translational frameshift with a predicted alternate stop codon (p.I287Nfs*25). This variant is considered to be rare based on population cohorts in the Genome Aggregation Database (gnomAD). This alteration is expected to result in loss of function by premature protein truncation or nonsense-mediated mRNA decay. As such, this alteration is interpreted as a disease-causing mutation.

NM_000143.4(FH):c.859dup (p.Ile287fs)

Gene: FH (fumarate hydratase; minus strand). Cytogenetic location: 1q43.
Variant type: Duplication.
Coding change: c.859dup on transcript NM_000143.4 (MANE Select); coding-DNA position 859, one base duplicated (A; older notation c.859dupA).
Protein change: p.Ile287fs; shifts the reading frame from isoleucine 287.
Molecular consequence: frameshift variant.
Genome position (GRCh38, 1-based): chr1:241,506,048, T duplicated on the plus strand (A on the coding strand, the reverse complement: FH is on the minus strand); the first of 2 consecutive T bases (chr1:241,506,048-241,506,049); duplicating either gives the same sequence. VCF-style (leftmost placement, unchanged base first): chr1-241506047-A-AT. GRCh37 (hg19) VCF-style: chr1-241669347-A-AT.
Other names: c.859dupA (NM_000143.3); short protein forms I287fs.
Identifiers: ClinVar variation 3278744 (VCV003278744.1).
Genomic context (GRCh38, chr1:241,506,047, plus strand): 5'-TCACGTGATCACTAACCTGTAAGTGCAGCCACTTTTGCAGCAACCTTTTCTGCAAAGCCA[A>AT]TTCTAGTATTTAAACCTGTACCAACAGCAGTGCCTCCAGCTGCGAGCTCATAGATTCTTG-3'